The following is an entry in ClinVar:

NM_017707.4(ASAP3):c.2148G>A (p.Pro716=)

Gene: ASAP3 (ArfGAP with SH3 domain, ankyrin repeat and PH domain 3; minus strand). Cytogenetic location: 1p36.12.
Variant type: single nucleotide variant.
Coding change: c.2148G>A on transcript NM_017707.4 (MANE Select); coding-DNA position 2148, G replaced by A.
Protein change: p.Pro716=; no amino-acid change (proline 716 retained).
Molecular consequence: synonymous variant.
Genome position (GRCh38, 1-based): chr1:23,433,252, C>T on the plus strand (G>A on the coding strand, the complement: ASAP3 is on the minus strand). VCF-style: chr1-23433252-C-T. GRCh37 (hg19) VCF-style: chr1-23759745-C-T.
Other names: c.2121G>A, p.Pro707= (NM_001143778.2).
Identifiers: ClinVar variation 2638483 (VCV002638483.24), dbSNP rs199509341, ClinGen allele CA682293.

ClinVar aggregate classification (germline): Likely benign (1 of 4 stars; one submission).

Allele frequency attached by ClinVar (database versions not stated): ExAC 0.00001; gnomAD exomes 0.00005; TOPMed 0.00006; gnomAD 0.00008.
gnomAD v4.1: 83 of 1,608,520 alleles (0.0052%); highest among the groups gnomAD compares: East Asian, 0.0089%; no homozygotes.

Submission:

CeGaT Center for Human Genetics Tuebingen
Classification: Likely benign. Last evaluated: 2022-09-01. Review status: criteria provided, single submitter. Criteria: CeGaT Center For Human Genetics Tuebingen Variant Classification Criteria Version 2. Collection method: clinical testing. Allele origin: germline. Affected: yes. Observed: 1 variant allele.
Comment: ASAP3: BP4, BP7